The following is an entry in ClinVar:

ClinVar aggregate classification (germline): Conflicting classifications of pathogenicity. Review status: criteria provided, conflicting classifications (1 of 4 stars). 2 submissions from 2 submitters: Uncertain significance (1); Likely benign (1). Last evaluated 2025-08-18.

Conditions:
Hereditary cancer-predisposing syndrome. Also called: Neoplastic Syndromes, Hereditary; Tumor predisposition; Hereditary Cancer Syndrome; Hereditary neoplastic syndrome. Identifiers: Orphanet 140162, MedGen C0027672, MeSH D009386, MONDO:0015356.

Allele frequency attached by ClinVar (database versions not stated): gnomAD exomes 0.00001.
gnomAD v4.1: 7 of 1,613,380 alleles (0.00043%); highest among the groups gnomAD compares: Non-Finnish European, 0.00059%; no homozygotes.

Submissions (2):

Ambry Genetics
Classification: Likely benign for Hereditary cancer-predisposing syndrome. Last evaluated: 2025-08-18. Review status: criteria provided, single submitter. Criteria: Ambry Variant Classification Scheme 2023. Collection method: clinical testing. Allele origin: germline.

Labcorp Genetics (formerly Invitae), Labcorp
Classification: Uncertain significance. Last evaluated: 2024-01-31. Review status: criteria provided, single submitter. Criteria: Invitae Variant Classification Sherloc (09022015). Collection method: clinical testing. Allele origin: germline.
Comment: This sequence change replaces aspartic acid, which is acidic and polar, with asparagine, which is neutral and polar, at codon 1309 of the POLE protein (p.Asp1309Asn). This variant is not present in population databases (gnomAD no frequency). This variant has not been reported in the literature in individuals affected with POLE-related conditions. ClinVar contains an entry for this variant (Variation ID: 473633). Advanced modeling of protein sequence and biophysical properties (such as structural, functional, and spatial information, amino acid conservation, physicochemical variation, residue mobility, and thermodynamic stability) performed at Invitae indicates that this missense variant is not expected to disrupt POLE protein function with a negative predictive value of 80%. In summary, the available evidence is currently insufficient to determine the role of this variant in disease. Therefore, it has been classified as a Variant of Uncertain Significance.

NM_006231.4(POLE):c.3925G>A (p.Asp1309Asn)

Gene: POLE (DNA polymerase epsilon, catalytic subunit; minus strand). Cytogenetic location: 12q24.33.
Variant type: single nucleotide variant.
Coding change: c.3925G>A on transcript NM_006231.4 (MANE Select); coding-DNA position 3925, G replaced by A.
Protein change: p.Asp1309Asn; replaces aspartic acid 1309 with asparagine.
Molecular consequence: missense variant.
Genome position (GRCh38, 1-based): chr12:132,649,386, C>T on the plus strand (G>A on the coding strand, the complement: POLE is on the minus strand). VCF-style: chr12-132649386-C-T. GRCh37 (hg19) VCF-style: chr12-133225972-C-T.
Other names: c.3925G>A (NM_006231.2); short protein forms D1309N.
Identifiers: ClinVar variation 473633 (VCV000473633.11), dbSNP rs1555223943, ClinGen allele CA387385098.